The following is an entry in ClinVar:

NM_006904.7(PRKDC):c.1619T>A (p.Met540Lys)

Gene: PRKDC (protein kinase, DNA-activated, catalytic subunit; minus strand). Cytogenetic location: 8q11.21.
Variant type: single nucleotide variant.
Coding change: c.1619T>A on transcript NM_006904.7 (MANE Select); coding-DNA position 1619, T replaced by A.
Protein change: p.Met540Lys; replaces methionine 540 with lysine.
Molecular consequence: missense variant.
Genome position (GRCh38, 1-based): chr8:47,933,969, A>T on the plus strand (T>A on the coding strand, the complement: PRKDC is on the minus strand). VCF-style: chr8-47933969-A-T. GRCh37 (hg19) VCF-style: chr8-48846529-A-T.
Other names: c.1619T>A, p.Met540Lys (NM_001081640.2); short protein forms M540K.
Identifiers: ClinVar variation 1776557 (VCV001776557.2), dbSNP rs2551879175, ClinGen allele CA371165255.

ClinVar aggregate classification (germline): Uncertain significance (1 of 4 stars; one submission).

Allele frequency attached by ClinVar (database versions not stated): gnomAD exomes 0.00001.
gnomAD v4.1: 7 of 1,610,856 alleles (0.00043%); highest among the groups gnomAD compares: Non-Finnish European, 0.00059%; no homozygotes.

Submission:

Ambry Genetics
Classification: Uncertain significance. Last evaluated: 2021-12-08. Review status: criteria provided, single submitter. Criteria: Ambry Variant Classification Scheme 2023. Collection method: clinical testing. Allele origin: germline.
Comment: The p.M540K variant (also known as c.1619T>A), located in coding exon 15 of the PRKDC gene, results from a T to A substitution at nucleotide position 1619. The methionine at codon 540 is replaced by lysine, an amino acid with similar properties. This amino acid position is conserved. In addition, this alteration is predicted to be tolerated by in silico analysis. Since supporting evidence is limited at this time, the clinical significance of this alteration remains unclear.